The following is an entry in ClinVar:

NM_000291.4(PGK1):c.506C>T (p.Ala169Val)

Gene: PGK1 (phosphoglycerate kinase 1; plus strand). Cytogenetic location: Xq21.1.
Variant type: single nucleotide variant.
Coding change: c.506C>T on transcript NM_000291.4 (MANE Select); coding-DNA position 506, C replaced by T.
Protein change: p.Ala169Val; replaces alanine 169 with valine.
Molecular consequence: missense variant.
Genome position (GRCh38, 1-based): chrX:78,117,400, C>T. VCF-style: chrX-78117400-C-T. GRCh37 (hg19) VCF-style: chrX-77372897-C-T.
Other names: short protein forms A169V.
Identifiers: ClinVar variation 3598450 (VCV003598450.4).

ClinVar aggregate classification (germline): Conflicting classifications of pathogenicity. Review status: criteria provided, conflicting classifications (1 of 4 stars). 3 submissions from 3 submitters: Uncertain significance (2); Benign (1). Last evaluated 2025-02-15.

Conditions:
Glycogen storage disease due to phosphoglycerate kinase 1 deficiency. Also called: PHOSPHOGLYCERATE KINASE 1 DEFICIENCY WITH LEVO-DOPA-RESPONSIVE PARKINSONISM; PGK1 DEFICIENCY. Identifiers: Orphanet 713, MedGen C1970848, MONDO:0010392, OMIM 300653.

gnomAD v4.1: 12 of 1,155,440 alleles (0.001%); highest among the groups gnomAD compares: East Asian, 0.024%; no homozygotes.

Submissions (3):

Labcorp Genetics (formerly Invitae), Labcorp
Classification: Benign. Last evaluated: 2025-02-15. Review status: criteria provided, single submitter. Criteria: Invitae Variant Classification Sherloc (09022015). Collection method: clinical testing. Allele origin: germline.

Fulgent Genetics
Classification: Uncertain significance for Glycogen storage disease due to phosphoglycerate kinase 1 deficiency. Last evaluated: 2024-01-28. Review status: criteria provided, single submitter. Criteria: ACMG Guidelines, 2015. Collection method: clinical testing. Allele origin: germline.

Juno Genomics, Hangzhou Juno Genomics, Inc
Classification: Uncertain significance for Glycogen storage disease due to phosphoglycerate kinase 1 deficiency. Review status: criteria provided, single submitter. Criteria: ACMG Guidelines, 2015. Collection method: clinical testing. Allele origin: germline.
Comment: Absent from controls (or at extremely low frequency if recessive) in Genome Aggregation Database.;Multiple lines of computational evidence support a deleterious effect on the gene or gene product.